The following is an entry in ClinVar:

NM_001036.6(RYR3):c.1157A>G (p.His386Arg)

Gene: RYR3 (ryanodine receptor 3; plus strand). Cytogenetic location: 15q14.
Variant type: single nucleotide variant.
Coding change: c.1157A>G on transcript NM_001036.6 (MANE Select); coding-DNA position 1157, A replaced by G.
Protein change: p.His386Arg; replaces histidine 386 with arginine.
Molecular consequence: missense variant.
Genome position (GRCh38, 1-based): chr15:33,566,688, A>G. VCF-style: chr15-33566688-A-G. GRCh37 (hg19) VCF-style: chr15-33858889-A-G.
Other names: c.1157A>G (NM_001036.3); c.1157A>G, p.His386Arg (NM_001243996.4); short protein forms H386R.
Identifiers: ClinVar variation 651622 (VCV000651622.11), dbSNP rs759551484, ClinGen allele CA7458049.

ClinVar aggregate classification (germline): Uncertain significance. Review status: criteria provided, multiple submitters, no conflicts (2 of 4 stars). 2 submissions from 2 submitters: Uncertain significance (2). Last evaluated 2025-05-19.

Conditions:
Epileptic encephalopathy. Identifiers: MedGen C0543888, HP:0200134.

Allele frequency attached by ClinVar (database versions not stated): gnomAD exomes 0.00001 and 0.00002; TOPMed 0.00001; ExAC 0.00002.
gnomAD v4.1: 10 of 1,613,718 alleles (0.00062%); highest among the groups gnomAD compares: East Asian, 0.018%; no homozygotes.

Submissions (2):

Ambry Genetics
Classification: Uncertain significance. Last evaluated: 2025-05-19. Review status: criteria provided, single submitter. Criteria: Ambry Variant Classification Scheme 2023. Collection method: clinical testing. Allele origin: germline.

Labcorp Genetics (formerly Invitae), Labcorp
Classification: Uncertain significance for Epileptic encephalopathy. Last evaluated: 2019-10-16. Review status: criteria provided, single submitter. Criteria: Invitae Variant Classification Sherloc (09022015). Collection method: clinical testing. Allele origin: germline.
Comment: This variant is present in population databases (rs759551484, ExAC 0.02%). In summary, the available evidence is currently insufficient to determine the role of this variant in disease. Therefore, it has been classified as a Variant of Uncertain Significance. Algorithms developed to predict the effect of missense changes on protein structure and function are either unavailable or do not agree on the potential impact of this missense change (SIFT: "Deleterious"; PolyPhen-2: "Probably Damaging"; Align-GVGD: "Class C0"). This variant has not been reported in the literature in individuals with RYR3-related disease. This sequence change replaces histidine with arginine at codon 386 of the RYR3 protein (p.His386Arg). The histidine residue is moderately conserved and there is a small physicochemical difference between histidine and arginine.